The following is an entry in ClinVar:

NM_006206.6(PDGFRA):c.50-6T>C

Gene: PDGFRA (platelet derived growth factor receptor alpha; plus strand). Cytogenetic location: 4q12.
Variant type: single nucleotide variant.
Coding change: c.50-6T>C on transcript NM_006206.6 (MANE Select); 6 bases into the intron before coding-DNA position 50, T replaced by C.
Molecular consequence: intron variant.
Genome position (GRCh38, 1-based): chr4:54,261,089, T>C. VCF-style: chr4-54261089-T-C. GRCh37 (hg19) VCF-style: chr4-55127256-T-C.
Other names: c.125-6T>C (NM_001347828.2); c.50-6T>C (NM_001347827.2, NM_001347829.2); c.89-6T>C (NM_001347830.2).
Identifiers: ClinVar variation 702982 (VCV000702982.11), dbSNP rs756305437, ClinGen allele CA2922225.

ClinVar aggregate classification (germline): Conflicting classifications of pathogenicity. Review status: criteria provided, conflicting classifications (1 of 4 stars). 3 submissions from 3 submitters: Uncertain significance (1); Benign (1); Likely benign (1). Last evaluated 2026-06-16.

Conditions:
Gastrointestinal stromal tumor. Also called: Gastrointestinal stromal tumor, somatic; Gastrointestinal stroma tumor. Identifiers: Orphanet 44890, MedGen C0238198, MeSH D046152, MONDO:0011719, OMIM 606764, HP:0100723.
Polyps, multiple and recurrent inflammatory fibroid, gastrointestinal. Identifiers: MedGen C5193005, MONDO:0008285, OMIM 175510.

Allele frequency attached by ClinVar (database versions not stated): gnomAD exomes 0.00001; ExAC 0.00002.
gnomAD v4.1: 5 of 1,614,010 alleles (0.00031%); highest among the groups gnomAD compares: Non-Finnish European, 0.00042%; no homozygotes.

Submissions (3):

Myriad Genetics, Inc.
Classification: Benign for Polyps, multiple and recurrent inflammatory fibroid, gastrointestinal. Last evaluated: 2026-06-16. Review status: criteria provided, single submitter. Criteria: Myriad Autosomal Dominant, Autosomal Recessive and X-Linked Classification Criteria (2023). Collection method: clinical testing. Allele origin: unknown.
Comment: This variant is considered benign. This variant is intronic and is not expected to impact mRNA splicing. This variant has been observed at a population frequency that is significantly greater than expected given the associated disease prevalence and penetrance.

Dasa
Classification: Uncertain significance. Last evaluated: 2026-02-02. Review status: criteria provided, single submitter. Criteria: DASA Assertion Criteria. Collection method: clinical testing. Allele origin: germline.
Comment: NM_006206.6(PDGFRA):c.50-6T>C is a splice-region variant. This variant is rare in population databases. Computational prediction algorithms are consistent with a benign effect. The currently available literature and clinical evidence are not sufficient to establish a definitive association between this variant and the reported condition. Therefore, this variant is classified as a variant of uncertain significance.

Labcorp Genetics (formerly Invitae), Labcorp
Classification: Likely benign for Gastrointestinal stromal tumor. Last evaluated: 2024-11-04. Review status: criteria provided, single submitter. Criteria: Invitae Variant Classification Sherloc (09022015). Collection method: clinical testing. Allele origin: germline.